The following is an entry in ClinVar:

GRCh37/hg19 Xp21.1(chrX:32311728-32565863)x1

Gene: DMD (dystrophin; minus strand). Cytogenetic location: Xp21.1.
Variant type: copy number loss.
Change: copy number 1 of chrX:32,311,728-32,565,863 (254.1 kb, GRCh37 coordinates, 1-based), cytogenetic band Xp21.1.
Identifiers: ClinVar variation 2685707 (VCV002685707.1).

ClinVar aggregate classification (germline): Pathogenic (1 of 4 stars; one submission).

Submission:

Quest Diagnostics Nichols Institute San Juan Capistrano
Classification: Pathogenic. Last evaluated: 2022-12-18. Review status: criteria provided, single submitter. Criteria: ACMG/ClinGen CNV Guidelines, 2019. Collection method: clinical testing. Allele origin: unknown.
Comment: The copy number loss of Xp21.1 includes several exons of the DMD gene. Whole gene and intragenic deletions, as well as intragenic duplications and sequence-level mutations, of DMD have been associated with a spectrum of muscle diseases known as the dystrophinopathies (DMD; OMIM 310200) (BMD; OMIM 300376) (CMD3B; OMIM 302045). Reference: Darras et al. Dystrophinopathies. 2000 Sep 5 [Updated 2022 Jan 20]. GeneReviews